The following is an entry in ClinVar:

NM_000138.5(FBN1):c.5865G>T (p.Gln1955His)

Gene: FBN1 (fibrillin 1; minus strand). Cytogenetic location: 15q21.1.
Variant type: single nucleotide variant.
Coding change: c.5865G>T on transcript NM_000138.5 (MANE Select); coding-DNA position 5865, G replaced by T.
Protein change: p.Gln1955His; replaces glutamine 1955 with histidine.
Molecular consequence: missense variant.
Genome position (GRCh38, 1-based): chr15:48,445,428, C>A on the plus strand (G>T on the coding strand, the complement: FBN1 is on the minus strand). VCF-style: chr15-48445428-C-A. GRCh37 (hg19) VCF-style: chr15-48737625-C-A.
Other names: short protein forms Q1955H.
Identifiers: ClinVar variation 924129 (VCV000924129.6), dbSNP rs1292712431, ClinGen allele CA392340035.

ClinVar aggregate classification (germline): Uncertain significance. Review status: criteria provided, multiple submitters, no conflicts (2 of 4 stars). 2 submissions from 2 submitters: Uncertain significance (2). Last evaluated 2024-03-06.

Conditions:
Marfan syndrome (MFS). Also called: Marfan syndrome, classic; Marfan syndrome type 1; Marfan's syndrome; FBN1-Related Marfan Syndrome; MARFAN SYNDROME, TYPE I. Identifiers: Orphanet 284963, Orphanet 558, MedGen C0024796, MONDO:0007947, OMIM 154700.
Familial thoracic aortic aneurysm and aortic dissection (TAAD). Also called: Thoracic aortic aneurysms and dissections. Identifiers: Orphanet 91387, MedGen C4707243, MONDO:0019625.

gnomAD v4.1: 1 of 1,612,834 alleles (0.000062%); highest among the groups gnomAD compares: South Asian, 0.0011%; no homozygotes.

Submissions (2):

Color Diagnostics, LLC DBA Color Health
Classification: Uncertain significance for Familial thoracic aortic aneurysm and aortic dissection. Last evaluated: 2024-03-06. Review status: criteria provided, single submitter. Criteria: ACMG Guidelines, 2015. Collection method: clinical testing. Allele origin: germline.
Comment: This missense variant replaces glutamine with histidine at codon 1955 of the FBN1 protein. Computational prediction suggests that this variant may not impact protein structure and function (internally defined REVEL score threshold <= 0.5, PMID: 27666373). To our knowledge, functional studies have not been reported for this variant. This variant has not been reported in individuals affected with FBN1-related disorders in the literature. This variant has not been identified in the general population by the Genome Aggregation Database (gnomAD). The available evidence is insufficient to determine the role of this variant in disease conclusively. Therefore, this variant is classified as a Variant of Uncertain Significance.

All of Us Research Program, National Institutes of Health
Classification: Uncertain significance for Marfan syndrome. Last evaluated: 2023-09-04. Review status: criteria provided, single submitter. Criteria: ACMG Guidelines, 2015. Collection method: clinical testing. Allele origin: germline. Inheritance: Autosomal dominant inheritance. Observed: 1 variant allele, 1 heterozygote.
Comment: This missense variant replaces glutamine with histidine at codon 1955 of the FBN1 protein. Computational prediction suggests that this variant may not impact protein structure and function (internally defined REVEL score threshold <= 0.5, PMID: 27666373). Splice site prediction tools suggest that this variant may not impact RNA splicing. To our knowledge, functional studies have not been performed for this variant. This variant has not been reported in individuals affected with cardiovascular disorders in the literature. This variant has not been identified in the general population by the Genome Aggregation Database (gnomAD). The available evidence is insufficient to determine the role of this variant in disease conclusively. Therefore, this variant is classified as a Variant of Uncertain Significance.

This study involves interpretation of variants in research participants for the purpose of population health screening. Participant phenotype was not available at the time of variant classification. Additional details can be found in publication PMID: 35346344, PMCID: PMC8962531